The following is an entry in ClinVar:

ClinVar aggregate classification (germline): Conflicting classifications of pathogenicity. Review status: criteria provided, conflicting classifications (1 of 4 stars). 3 submissions from 3 submitters: Uncertain significance (1); Likely benign (2). Last evaluated 2023-06-26.

Conditions:
X-linked immunodeficiency with magnesium defect, Epstein-Barr virus infection and neoplasia. Identifiers: Orphanet 317476, MedGen C3275445, MONDO:0010455, OMIM 300853.

gnomAD v4.1: 2 of 1,199,895 alleles (0.00017%); highest among the groups gnomAD compares: Non-Finnish European, 0.00023%; no homozygotes.

Submissions (3):

Blueprint Genetics
Classification: Likely benign. Last evaluated: 2023-06-26. Review status: criteria provided, single submitter. Criteria: ACMG Guidelines, 2015. Collection method: clinical testing. Allele origin: germline.

GeneDx
Classification: Uncertain significance. Last evaluated: 2023-02-28. Review status: criteria provided, single submitter. Criteria: GeneDx Variant Classification Process June 2021. Collection method: clinical testing. Allele origin: germline. Affected: yes.
Comment: Not observed at significant frequency in large population cohorts (gnomAD); In silico analysis supports that this variant does not alter splicing; Has not been previously published as pathogenic or benign to our knowledge

Labcorp Genetics (formerly Invitae), Labcorp
Classification: Likely benign for X-linked immunodeficiency with magnesium defect, Epstein-Barr virus infection and neoplasia. Last evaluated: 2020-02-06. Review status: criteria provided, single submitter. Criteria: Invitae Variant Classification Sherloc (09022015). Collection method: clinical testing. Allele origin: germline.

NM_001367916.1(MAGT1):c.771C>A (p.Ile257=)

Gene: MAGT1 (magnesium transporter 1; minus strand). Cytogenetic location: Xq21.1.
Variant type: single nucleotide variant.
Coding change: c.771C>A on transcript NM_001367916.1 (MANE Select); coding-DNA position 771, C replaced by A.
Protein change: p.Ile257=; no amino-acid change (isoleucine 257 retained).
Molecular consequence: synonymous variant.
Genome position (GRCh38, 1-based): chrX:77,853,956, G>T on the plus strand (C>A on the coding strand, the complement: MAGT1 is on the minus strand). VCF-style: chrX-77853956-G-T. GRCh37 (hg19) VCF-style: chrX-77109453-G-T.
Other names: c.867C>A, p.Ile289= (NM_032121.5).
Identifiers: ClinVar variation 1132324 (VCV001132324.11), dbSNP rs782533209, ClinGen allele CA517379889.